The following is an entry in ClinVar:

ClinVar aggregate classification (germline): Uncertain significance (1 of 4 stars; one submission).

Submission:

Ambry Genetics
Classification: Uncertain significance. Last evaluated: 2025-04-18. Review status: criteria provided, single submitter. Criteria: Ambry Variant Classification Scheme 2023. Collection method: clinical testing. Allele origin: germline.
Comment: The p.V779L variant (also known as c.2335G>C), located in coding exon 22 of the KIF1B gene, results from a G to C substitution at nucleotide position 2335. The valine at codon 779 is replaced by leucine, an amino acid with highly similar properties. This amino acid position is highly conserved in available vertebrate species. In addition, the in silico prediction for this alteration is inconclusive. The evidence for this gene-disease relationship is limited; therefore, the clinical significance of this alteration is unclear.

NM_001365951.3(KIF1B):c.2473G>C (p.Val825Leu)

Gene: KIF1B (kinesin family member 1B; plus strand). Cytogenetic location: 1p36.22.
Variant type: single nucleotide variant.
Coding change: c.2473G>C on transcript NM_001365951.3 (MANE Select); coding-DNA position 2473, G replaced by C.
Protein change: p.Val825Leu; replaces valine 825 with leucine.
Molecular consequence: missense variant.
Genome position (GRCh38, 1-based): chr1:10,323,998, G>C. VCF-style: chr1-10323998-G-C. GRCh37 (hg19) VCF-style: chr1-10384056-G-C.
Other names: c.2473G>C, p.Val825Leu (NM_001365952.1); c.2335G>C, p.Val779Leu (NM_015074.3); short protein forms V779L, V825L.
Identifiers: ClinVar variation 4043052 (VCV004043052.1).